The following is an entry in ClinVar:

ClinVar aggregate classification (germline): Uncertain significance (1 of 4 stars; one submission).

Submission:

Labcorp Genetics (formerly Invitae), Labcorp
Classification: Uncertain significance. Last evaluated: 2022-11-08. Review status: criteria provided, single submitter. Criteria: Invitae Variant Classification Sherloc (09022015). Collection method: clinical testing. Allele origin: germline.
Comment: In summary, the available evidence is currently insufficient to determine the role of this variant in disease. Therefore, it has been classified as a Variant of Uncertain Significance. Advanced modeling of protein sequence and biophysical properties (such as structural, functional, and spatial information, amino acid conservation, physicochemical variation, residue mobility, and thermodynamic stability) performed at Invitae indicates that this missense variant is not expected to disrupt CENPJ protein function. ClinVar contains an entry for this variant (Variation ID: 1417033). This variant has not been reported in the literature in individuals affected with CENPJ-related conditions. This variant is not present in population databases (gnomAD no frequency). This sequence change replaces threonine, which is neutral and polar, with alanine, which is neutral and non-polar, at codon 563 of the CENPJ protein (p.Thr563Ala).

NM_018451.5(CPAP):c.1687A>G (p.Thr563Ala)

Gene: CPAP (centrosome assembly and centriole elongation protein; minus strand). Cytogenetic location: 13q12.13.
Variant type: single nucleotide variant.
Coding change: c.1687A>G on transcript NM_018451.5 (MANE Select); coding-DNA position 1687, A replaced by G.
Protein change: p.Thr563Ala; replaces threonine 563 with alanine.
Molecular consequence: missense variant. On other transcripts: non-coding transcript variant (2).
Genome position (GRCh38, 1-based): chr13:24,906,351, T>C on the plus strand (A>G on the coding strand, the complement: CPAP is on the minus strand). VCF-style: chr13-24906351-T-C. GRCh37 (hg19) VCF-style: chr13-25480489-T-C.
Other names: short protein forms T563A.
Identifiers: ClinVar variation 1417033 (VCV001417033.8), dbSNP rs2138631435, ClinGen allele CA387587387.